The following is an entry in ClinVar:

ClinVar aggregate classification (germline): Uncertain significance (1 of 4 stars; one submission).

gnomAD v4.1: 2 of 1,613,352 alleles (0.00012%); highest among the groups gnomAD compares: South Asian, 0.0011%; no homozygotes.

Submission:

Labcorp Genetics (formerly Invitae), Labcorp
Classification: Uncertain significance. Last evaluated: 2021-06-07. Review status: criteria provided, single submitter. Criteria: Invitae Variant Classification Sherloc (09022015). Collection method: clinical testing. Allele origin: germline.
Comment: This sequence change falls in intron 11 of the TCIRG1 gene. It does not directly change the encoded amino acid sequence of the TCIRG1 protein. This variant is present in population databases (rs373679585, ExAC 0.002%). This variant has not been reported in the literature in individuals with TCIRG1-related conditions. Algorithms developed to predict the effect of sequence changes on RNA splicing suggest that this variant may disrupt the consensus splice site, but this prediction has not been confirmed by published transcriptional studies. In summary, the available evidence is currently insufficient to determine the role of this variant in disease. Therefore, it has been classified as a Variant of Uncertain Significance.

NM_006019.4(TCIRG1):c.1306-5C>A

Gene: TCIRG1 (T cell immune regulator 1, ATPase H+ transporting V0 subunit a3; plus strand). Cytogenetic location: 11q13.2.
Variant type: single nucleotide variant.
Coding change: c.1306-5C>A on transcript NM_006019.4 (MANE Select); 5 bases into the intron before coding-DNA position 1306, C replaced by A.
Molecular consequence: intron variant.
Genome position (GRCh38, 1-based): chr11:68,047,642, C>A. VCF-style: chr11-68047642-C-A. GRCh37 (hg19) VCF-style: chr11-67815109-C-A.
Other names: c.412-5C>A (NM_001351059.2); c.658-5C>A (NM_006053.4).
Identifiers: ClinVar variation 2146737 (VCV002146737.1), dbSNP rs373679585, ClinGen allele CA6147072.
Genomic context (GRCh38, chr11:68,047,642, plus strand): 5'-GGGGCTGGGGTCCTGATGAGGGTAGCAGGGCCAGGCAGCCCCTCACCACACCACTGCCCC[C>A]CCAGATCTGGCAGACTTTCTTCAGGGGCCGCTACCTGCTCCTGCTTATGGGCCTGTTCTC-3'